The following is an entry in ClinVar:

NM_016955.4(SEPSECS):c.448_449del (p.Leu150fs)

Gene: SEPSECS (Sep (O-phosphoserine) tRNA:Sec (selenocysteine) tRNA synthase; minus strand). Cytogenetic location: 4p15.2.
Variant type: Microsatellite.
Coding change: c.448_449del on transcript NM_016955.4 (MANE Select); coding-DNA positions 448 to 449, 2 bases deleted (CT; older notation c.448_449delCT).
Protein change: p.Leu150fs; shifts the reading frame from leucine 150.
Molecular consequence: frameshift variant.
Genome position (GRCh38, 1-based): chr4:25,156,135-25,156,136, AG deleted on the plus strand (CT on the coding strand, the reverse complement: SEPSECS is on the minus strand); deleting any 2 consecutive bases within chr4:25,156,135-25,156,138 gives the same sequence; the c. name uses the placement nearest the transcript's 3' end. VCF-style (leftmost placement, unchanged base first): chr4-25156134-CAG-C. GRCh37 (hg19) VCF-style: chr4-25157756-CAG-C.
Other names: c.448_449delCT (NM_016955.3); short protein forms L150fs.
Identifiers: ClinVar variation 1070527 (VCV001070527.9), dbSNP rs1712612783, ClinGen allele CA1060327367.
Genomic context (GRCh38, chr4:25,156,134, plus strand): 5'-TATTCGTGGCCATATAATATACTTTGCCTTTGGTCTTTTGTGTCGTAATGTTAAGAAACA[CAG>C]AGTTAGACTCATACCAGTTGCCATAGGAACTACAAAGCAGTTGGCTACTGTATGGACACC-3'

ClinVar aggregate classification (germline): Pathogenic/Likely pathogenic. Review status: criteria provided, multiple submitters, no conflicts (2 of 4 stars). 2 submissions from 2 submitters: Pathogenic (1); Likely pathogenic (1). Last evaluated 2025-02-20.

Conditions:
Pontocerebellar hypoplasia type 2D (PCH2D). Also called: Progressive cerebello-cerebral atrophy. Identifiers: Orphanet 247198, Orphanet 2524, MedGen C3151140, MONDO:0013438, OMIM 613811.

Submissions (2):

Natera, Inc.
Classification: Likely pathogenic for Pontocerebellar hypoplasia type 2d. Last evaluated: 2025-02-20. Review status: criteria provided, single submitter. Criteria: Natera Variant Classification Schema (03/2026). Collection method: clinical testing. Allele origin: germline.
Comment: The c.448_449delCT variant in SEPSECS is a frameshift variant predicted to shift the reading frame beginning at codon 150 and leads to a stop codon 27 codons downstream. This variant is expected to result in nonsense mediated decay, truncation, or a dysfunctional protein product. This variant is rare in the general population with a frequency below the threshold expected for the associated phenotype(s). Given the available evidence, this variant is classified as Likely Pathogenic.

Labcorp Genetics (formerly Invitae), Labcorp
Classification: Pathogenic. Last evaluated: 2023-12-19. Review status: criteria provided, single submitter. Criteria: Invitae Variant Classification Sherloc (09022015). Collection method: clinical testing. Allele origin: germline.
Comment: This sequence change creates a premature translational stop signal (p.Leu150Valfs*27) in the SEPSECS gene. It is expected to result in an absent or disrupted protein product. Loss-of-function variants in SEPSECS are known to be pathogenic (PMID: 25558065, 25590979, 26115735). This variant is not present in population databases (gnomAD no frequency). This variant has not been reported in the literature in individuals affected with SEPSECS-related conditions. For these reasons, this variant has been classified as Pathogenic.

Literature cited by the submitters: PubMed 25558065 (cited by Labcorp Genetics (formerly Invitae), Labcorp); PubMed 25590979 (cited by Labcorp Genetics (formerly Invitae), Labcorp); PubMed 26115735 (cited by Labcorp Genetics (formerly Invitae), Labcorp).